The following is an entry in ClinVar:

ClinVar aggregate classification (germline): Uncertain significance. Review status: criteria provided, multiple submitters, no conflicts (2 of 4 stars). 3 submissions from 3 submitters: Uncertain significance (3). Last evaluated 2023-03-05.

Conditions:
Fetal akinesia deformation sequence 1 (FADS1). Also called: Fetal akinesia sequence; Pena-Shokeir syndrome type I. Identifiers: Orphanet 994, MedGen C1276035, MONDO:0100101, OMIM 208150, HP:0001989.
Congenital myasthenic syndrome 10. Also called: Myasthenia, limb-girdle, familial. Identifiers: Orphanet 590, MedGen C1850792, MONDO:0009690, OMIM 254300.

Allele frequency attached by ClinVar (database versions not stated): TOPMed 0.00006; gnomAD exomes 0.00010 and 0.00015; 1000 Genomes Project 30x 0.00016; gnomAD 0.00017; 1000 Genomes Project 0.00020; ExAC 0.00021.
gnomAD v4.1: 176 of 1,574,980 alleles (0.011%); highest among the groups gnomAD compares: African/African-American, 0.017%; no homozygotes.

Submissions (3):

GeneDx
Classification: Uncertain significance. Last evaluated: 2023-03-05. Review status: criteria provided, single submitter. Criteria: GeneDx Variant Classification Process June 2021. Collection method: clinical testing. Allele origin: germline. Affected: yes.
Comment: In silico analysis supports that this missense variant has a deleterious effect on protein structure/function; Has not been previously published as pathogenic or benign to our knowledge

Labcorp Genetics (formerly Invitae), Labcorp
Classification: Uncertain significance for Congenital myasthenic syndrome 10; Fetal akinesia deformation sequence 1. Last evaluated: 2022-09-01. Review status: criteria provided, single submitter. Criteria: Invitae Variant Classification Sherloc (09022015). Collection method: clinical testing. Allele origin: germline.
Comment: This sequence change replaces arginine, which is basic and polar, with tryptophan, which is neutral and slightly polar, at codon 364 of the DOK7 protein (p.Arg364Trp). The frequency data for this variant in the population databases is considered unreliable, as metrics indicate poor data quality at this position in the gnomAD database. This variant has not been reported in the literature in individuals affected with DOK7-related conditions. ClinVar contains an entry for this variant (Variation ID: 571203). Algorithms developed to predict the effect of missense changes on protein structure and function are either unavailable or do not agree on the potential impact of this missense change (SIFT: "Deleterious"; PolyPhen-2: "Benign"; Align-GVGD: "Class C0"). Algorithms developed to predict the effect of sequence changes on RNA splicing suggest that this variant may create or strengthen a splice site. In summary, the available evidence is currently insufficient to determine the role of this variant in disease. Therefore, it has been classified as a Variant of Uncertain Significance.

Revvity Omics, Revvity
Classification: Uncertain significance. Last evaluated: 2020-10-27. Review status: criteria provided, single submitter. Criteria: ACMG Guidelines, 2015. Collection method: clinical testing. Allele origin: germline.

NM_173660.5(DOK7):c.1090C>T (p.Arg364Trp)

Gene: DOK7 (docking protein 7; plus strand). Cytogenetic location: 4p16.3.
Variant type: single nucleotide variant.
Coding change: c.1090C>T on transcript NM_173660.5 (MANE Select); coding-DNA position 1090, C replaced by T.
Protein change: p.Arg364Trp; replaces arginine 364 with tryptophan.
Molecular consequence: missense variant. On other transcripts: 3 prime UTR variant (1).
Genome position (GRCh38, 1-based): chr4:3,493,076, C>T. VCF-style: chr4-3493076-C-T. GRCh37 (hg19) VCF-style: chr4-3494803-C-T.
Other names: c.*311C>T (NM_001164673.2); c.160C>T, p.Arg54Trp (NM_001256896.2); c.1090C>T, p.Arg364Trp (NM_001301071.2); c.658C>T, p.Arg220Trp (NM_001363811.2); short protein forms R364W, R220W, R54W.
Identifiers: ClinVar variation 571203 (VCV000571203.10), dbSNP rs577156980, ClinGen allele CA2829356.